The following is an entry in ClinVar:

ClinVar aggregate classification (germline): Likely benign. Review status: criteria provided, multiple submitters, no conflicts (2 of 4 stars). 2 submissions from 2 submitters: Likely benign (2). Last evaluated 2026-05-03.

Conditions:
AHI1-related disorder. Also called: AHI1-related condition.
Joubert syndrome. Also called: JOUBERT-BOLTSHAUSER SYNDROME; Familial aplasia of the vermis. Identifiers: Orphanet 475, MedGen C5979921, MONDO:0018772.

Allele frequency attached by ClinVar (database versions not stated): gnomAD exomes below 0.00001.
gnomAD v4.1: 3 of 1,587,682 alleles (0.00019%); highest among the groups gnomAD compares: Non-Finnish European, 0.00026%; no homozygotes.

Submissions (2):

PreventionGenetics, part of Exact Sciences
Classification: Likely benign for AHI1-related condition. Last evaluated: 2026-05-03. Review status: criteria provided, single submitter. Criteria: ACMG Guidelines, 2015. Collection method: clinical testing. Allele origin: germline.
Comment: This variant is classified as likely benign based on ACMG/AMP sequence variant interpretation guidelines (Richards et al. 2015 PMID: 25741868, with internal and published modifications).

Labcorp Genetics (formerly Invitae), Labcorp
Classification: Likely benign for Joubert syndrome. Last evaluated: 2025-12-24. Review status: criteria provided, single submitter. Criteria: Invitae Variant Classification Sherloc (09022015). Collection method: clinical testing. Allele origin: germline.

NM_001134831.2(AHI1):c.1215C>G (p.Thr405=)

Gene: AHI1 (Abelson helper integration site 1; minus strand). Cytogenetic location: 6q23.3.
Variant type: single nucleotide variant.
Coding change: c.1215C>G on transcript NM_001134831.2 (MANE Select); coding-DNA position 1215, C replaced by G.
Protein change: p.Thr405=; no amino-acid change (threonine 405 retained).
Molecular consequence: synonymous variant.
Genome position (GRCh38, 1-based): chr6:135,455,863, G>C on the plus strand (C>G on the coding strand, the complement: AHI1 is on the minus strand). VCF-style: chr6-135455863-G-C. GRCh37 (hg19) VCF-style: chr6-135777001-G-C.
Other names: c.1215C>G, p.Thr405= (NM_001134830.2, NM_001134832.2, NM_001350503.2 and 2 more transcripts); c.1215C>G (NM_017651.4).
Identifiers: ClinVar variation 2197568 (VCV002197568.5), dbSNP rs2484883472, ClinGen allele CA452216588.